The following is an entry in ClinVar:

ClinVar aggregate classification (germline): Likely benign. Review status: criteria provided, multiple submitters, no conflicts (2 of 4 stars). 3 submissions from 3 submitters: Likely benign (3). Last evaluated 2025-11-09.

Allele frequency attached by ClinVar (database versions not stated): gnomAD 0.00002 and 0.00005; TOPMed 0.00003; ESP Exome Variant Server 0.00008; 1000 Genomes Project 30x 0.00016; gnomAD exomes 0.00019; 1000 Genomes Project 0.00020; ExAC 0.00028.
gnomAD v4.1: 151 of 1,593,276 alleles (0.0095%); highest among the groups gnomAD compares: South Asian, 0.14%; 1 homozygote.

Submissions (3):

Labcorp Genetics (formerly Invitae), Labcorp
Classification: Likely benign. Last evaluated: 2025-11-09. Review status: criteria provided, single submitter. Criteria: Invitae Variant Classification Sherloc (09022015). Collection method: clinical testing. Allele origin: germline.

Mayo Clinic Laboratories, Mayo Clinic
Classification: Likely benign. Last evaluated: 2025-05-14. Review status: criteria provided, single submitter. Criteria: ACMG Guidelines, 2015. Collection method: clinical testing. Allele origin: germline. Observed: 1 variant allele.
Comment: BS1, BP4, BP7

Blueprint Genetics
Classification: Likely benign. Last evaluated: 2024-06-25. Review status: criteria provided, single submitter. Criteria: ACMG Guidelines, 2015. Collection method: clinical testing. Allele origin: germline.

NM_001354930.2(RIPK1):c.688+16C>T

Gene: RIPK1 (receptor interacting serine/threonine kinase 1; plus strand). Cytogenetic location: 6p25.2.
Variant type: single nucleotide variant.
Coding change: c.688+16C>T on transcript NM_001354930.2 (MANE Select); 16 bases into the intron after coding-DNA position 688, C replaced by T.
Molecular consequence: intron variant.
Genome position (GRCh38, 1-based): chr6:3,083,329, C>T. VCF-style: chr6-3083329-C-T. GRCh37 (hg19) VCF-style: chr6-3083563-C-T.
Other names: p.?; c.199+16C>T (NM_001317061.3, NM_001354932.2, NM_001354934.2 and 1 more transcripts); c.688+16C>T (NM_003804.6); c.550+16C>T (NM_001354931.2).
Identifiers: ClinVar variation 1608945 (VCV001608945.10), dbSNP rs369145840, ClinGen allele CA3618256.